The following is an entry in ClinVar:

ClinVar aggregate classification (germline): Uncertain significance. Review status: criteria provided, multiple submitters, no conflicts (2 of 4 stars). 2 submissions from 2 submitters: Uncertain significance (2). Last evaluated 2025-01-26.

Conditions:
Cardiovascular phenotype. Identifiers: MedGen CN230736.
Catecholaminergic polymorphic ventricular tachycardia 1. Also called: RYR2-Related Catecholaminergic Polymorphic Ventricular Tachycardia; VENTRICULAR TACHYCARDIA, CATECHOLAMINERGIC POLYMORPHIC, 1, WITH OR WITHOUT ATRIAL DYSFUNCTION AND/OR DILATED CARDIOMYOPATHY; VENTRICULAR TACHYCARDIA, STRESS-INDUCED POLYMORPHIC 1. Identifiers: Orphanet 3286, MedGen C1631597, MONDO:0011484, OMIM 604772.

Submissions (2):

Labcorp Genetics (formerly Invitae), Labcorp
Classification: Uncertain significance for Catecholaminergic polymorphic ventricular tachycardia 1. Last evaluated: 2025-01-26. Review status: criteria provided, single submitter. Criteria: Invitae Variant Classification Sherloc (09022015). Collection method: clinical testing. Allele origin: germline.
Comment: This sequence change replaces asparagine, which is neutral and polar, with serine, which is neutral and polar, at codon 911 of the RYR2 protein (p.Asn911Ser). This variant is not present in population databases (gnomAD no frequency). This variant has not been reported in the literature in individuals affected with RYR2-related conditions. ClinVar contains an entry for this variant (Variation ID: 3315896). Invitae Evidence Modeling of protein sequence and biophysical properties (such as structural, functional, and spatial information, amino acid conservation, physicochemical variation, residue mobility, and thermodynamic stability) indicates that this missense variant is not expected to disrupt RYR2 protein function with a negative predictive value of 95%. In summary, the available evidence is currently insufficient to determine the role of this variant in disease. Therefore, it has been classified as a Variant of Uncertain Significance.

Ambry Genetics
Classification: Uncertain significance for Cardiovascular phenotype. Last evaluated: 2024-05-23. Review status: criteria provided, single submitter. Criteria: Ambry Variant Classification Scheme 2023. Collection method: clinical testing. Allele origin: germline.
Comment: The p.N911S variant (also known as c.2732A>G), located in coding exon 24 of the RYR2 gene, results from an A to G substitution at nucleotide position 2732. The asparagine at codon 911 is replaced by serine, an amino acid with highly similar properties. This amino acid position is highly conserved in available vertebrate species. In addition, this alteration is predicted to be tolerated by in silico analysis. Based on the available evidence, the clinical significance of this variant remains unclear.

NM_001035.3(RYR2):c.2732A>G (p.Asn911Ser)

Gene: RYR2 (ryanodine receptor 2; plus strand). Cytogenetic location: 1q43.
Variant type: single nucleotide variant.
Coding change: c.2732A>G on transcript NM_001035.3 (MANE Select); coding-DNA position 2732, A replaced by G.
Protein change: p.Asn911Ser; replaces asparagine 911 with serine.
Molecular consequence: missense variant.
Genome position (GRCh38, 1-based): chr1:237,511,701, A>G. VCF-style: chr1-237511701-A-G. GRCh37 (hg19) VCF-style: chr1-237675001-A-G.
Other names: short protein forms N911S.
Identifiers: ClinVar variation 3315896 (VCV003315896.3).